The following is an entry in ClinVar:

ClinVar aggregate classification (germline): Uncertain significance (1 of 4 stars; one submission).

Conditions:
Neurodegeneration with brain iron accumulation 5 (NBIA5). Also called: STATIC ENCEPHALOPATHY OF CHILDHOOD WITH NEURODEGENERATION IN ADULTHOOD; Beta-propeller protein-associated neurodegeneration. Identifiers: Orphanet 329284, MedGen C3550973, MONDO:0010476, OMIM 300894.

Submission:

3billion
Classification: Uncertain significance for Neurodegeneration with brain iron accumulation 5. Last evaluated: 2025-03-07. Review status: criteria provided, single submitter. Criteria: ACMG Guidelines, 2015. Collection method: clinical testing. Allele origin: germline. Affected: yes.
Comment: The variant is not observed in the gnomAD v4.1.0 dataset. Predicted Consequence/Location: Synonymous variant. In silico tools predict the variant to alter splicing and produce an abnormal transcript [SpliceAI: 0.31 (>=0.2, moderate evidence for spliceogenicity)]. Therefore, this variant is classified as VUS according to the recommendation of ACMG/AMP guideline.

NM_001029896.2(WDR45):c.846G>A (p.Lys282=)

Gene: WDR45 (WD repeat domain 45; minus strand). Cytogenetic location: Xp11.23.
Variant type: single nucleotide variant.
Coding change: c.846G>A on transcript NM_001029896.2 (MANE Select); coding-DNA position 846, G replaced by A.
Protein change: p.Lys282=; no amino-acid change (lysine 282 retained).
Molecular consequence: synonymous variant.
Genome position (GRCh38, 1-based): chrX:49,075,263, C>T on the plus strand (G>A on the coding strand, the complement: WDR45 is on the minus strand). VCF-style: chrX-49075263-C-T. GRCh37 (hg19) VCF-style: chrX-48932922-C-T.
Other names: c.849G>A, p.Lys283= (NM_007075.4).
Identifiers: ClinVar variation 4291982 (VCV004291982.1).